The following is an entry in ClinVar:

NM_001365276.2(TNXB):c.1832A>T (p.Tyr611Phe)

Gene: TNXB (tenascin XB; minus strand). Cytogenetic location: 6p21.33.
Variant type: single nucleotide variant.
Coding change: c.1832A>T on transcript NM_001365276.2 (MANE Select); coding-DNA position 1832, A replaced by T.
Protein change: p.Tyr611Phe; replaces tyrosine 611 with phenylalanine.
Molecular consequence: missense variant.
Genome position (GRCh38, 1-based): chr6:32,096,021, T>A on the plus strand (A>T on the coding strand, the complement: TNXB is on the minus strand). VCF-style: chr6-32096021-T-A. GRCh37 (hg19) VCF-style: chr6-32063798-T-A.
Other names: c.1832A>T, p.Tyr611Phe (NM_019105.8); short protein forms Y611F.
Identifiers: ClinVar variation 2562153 (VCV002562153.2), dbSNP rs1319846051, ClinGen allele CA363476835.

ClinVar aggregate classification (germline): Uncertain significance (1 of 4 stars; one submission).

Conditions:
Cardiovascular phenotype. Identifiers: MedGen CN230736.

Allele frequency attached by ClinVar (database versions not stated): TOPMed below 0.00001; gnomAD 0.00001.
gnomAD v4.1: 5 of 1,612,968 alleles (0.00031%); highest among the groups gnomAD compares: African/African-American, 0.0013%; no homozygotes.

Submission:

Ambry Genetics
Classification: Uncertain significance for Cardiovascular phenotype. Last evaluated: 2023-05-21. Review status: criteria provided, single submitter. Criteria: Ambry Variant Classification Scheme 2023. Collection method: clinical testing. Allele origin: germline.
Comment: The p.Y611F variant (also known as c.1832A>T), located in coding exon 2 of the TNXB gene, results from an A to T substitution at nucleotide position 1832. The tyrosine at codon 611 is replaced by phenylalanine, an amino acid with highly similar properties. This amino acid position is conserved. In addition, this alteration is predicted to be tolerated by in silico analysis. Since supporting evidence is limited at this time, the clinical significance of this alteration remains unclear.